The following is an entry in ClinVar:

ClinVar aggregate classification (germline): Uncertain significance. Review status: criteria provided, multiple submitters, no conflicts (2 of 4 stars). 3 submissions from 3 submitters: Uncertain significance (3). Last evaluated 2023-04-11.

Conditions:
Geroderma osteodysplastica (GO). Also called: WALT DISNEY DWARFISM; Geroderma osteodysplasticum. Identifiers: Orphanet 2078, MedGen C0432255, MONDO:0009271, OMIM 231070.
Inborn genetic diseases. Identifiers: MedGen C0950123, MeSH D030342.

gnomAD v4.1: 4 of 1,613,860 alleles (0.00025%); highest among the groups gnomAD compares: Non-Finnish European, 0.00034%; no homozygotes.

Submissions (3):

Genome-Nilou Lab
Classification: Uncertain significance for Geroderma osteodysplastica. Last evaluated: 2023-04-11. Review status: criteria provided, single submitter. Criteria: ACMG Guidelines, 2015. Collection method: clinical testing. Allele origin: germline. Affected: no.

Ambry Genetics
Classification: Uncertain significance for Inborn genetic diseases. Last evaluated: 2022-04-25. Review status: criteria provided, single submitter. Criteria: Ambry Variant Classification Scheme 2023. Collection method: clinical testing. Allele origin: germline.

Labcorp Genetics (formerly Invitae), Labcorp
Classification: Uncertain significance. Last evaluated: 2021-08-26. Review status: criteria provided, single submitter. Criteria: Invitae Variant Classification Sherloc (09022015). Collection method: clinical testing. Allele origin: germline.
Comment: This sequence change replaces lysine with asparagine at codon 161 of the GORAB protein (p.Lys161Asn). The lysine residue is moderately conserved and there is a moderate physicochemical difference between lysine and asparagine. This variant is not present in population databases (ExAC no frequency). This variant has not been reported in the literature in individuals affected with GORAB-related conditions. Algorithms developed to predict the effect of missense changes on protein structure and function are either unavailable or do not agree on the potential impact of this missense change (SIFT: "Deleterious"; PolyPhen-2: "Probably Damaging"; Align-GVGD: "Class C0"). In summary, the available evidence is currently insufficient to determine the role of this variant in disease. Therefore, it has been classified as a Variant of Uncertain Significance.

NM_152281.3(GORAB):c.408G>C (p.Lys136Asn)

Gene: GORAB (golgin, RAB6 interacting; plus strand). Cytogenetic location: 1q24.2.
Variant type: single nucleotide variant.
Coding change: c.408G>C on transcript NM_152281.3 (MANE Select); coding-DNA position 408, G replaced by C.
Protein change: p.Lys136Asn; replaces lysine 136 with asparagine.
Molecular consequence: missense variant. On other transcripts: 5 prime UTR variant (1), non-coding transcript variant (1).
Genome position (GRCh38, 1-based): chr1:170,539,556, G>C. VCF-style: chr1-170539556-G-C. GRCh37 (hg19) VCF-style: chr1-170508697-G-C.
Other names: c.408G>C, p.Lys136Asn (NM_001146039.2); c.-58G>C (NM_001320252.2); c.483G>C (NM_152281.2); short protein forms K136N.
Identifiers: ClinVar variation 1059550 (VCV001059550.5), dbSNP rs964155812, ClinGen allele CA32469925.
Genomic context (GRCh38, chr1:170,539,556, plus strand): 5'-TGATGGTCACAACAATGTTGAGATTCTACCTCCAAAGCCAGATTGCAAATTGGAGAAAAA[G>C]AAAGTGGAATTGTTAGTAAGTCTATGTGAAAAGTCCATGAGACTTTTCATTTAACCCGTT-3'
Protein context (NP_689494.3, residues 126-146): PPKPDCKLEK[Lys136Asn]KVELQEKSRW